The following is an entry in ClinVar:

ClinVar aggregate classification (germline): Uncertain significance (1 of 4 stars; one submission).

Submission:

GeneDx
Classification: Uncertain significance. Last evaluated: 2024-03-01. Review status: criteria provided, single submitter. Criteria: GeneDx Variant Classification Process June 2021. Collection method: clinical testing. Allele origin: germline. Affected: yes.
Comment: Not observed at significant frequency in large population cohorts (gnomAD); In silico analysis supports that this missense variant does not alter protein structure/function; Has not been previously published as pathogenic or benign to our knowledge

NM_004380.3(CREBBP):c.6022G>C (p.Val2008Leu)

Gene: CREBBP (CREB binding protein; minus strand). Cytogenetic location: 16p13.3.
Variant type: single nucleotide variant.
Coding change: c.6022G>C on transcript NM_004380.3 (MANE Select); coding-DNA position 6022, G replaced by C.
Protein change: p.Val2008Leu; replaces valine 2008 with leucine.
Molecular consequence: missense variant.
Genome position (GRCh38, 1-based): chr16:3,729,025, C>G on the plus strand (G>C on the coding strand, the complement: CREBBP is on the minus strand). VCF-style: chr16-3729025-C-G. GRCh37 (hg19) VCF-style: chr16-3779026-C-G.
Other names: c.5908G>C, p.Val1970Leu (NM_001079846.1); short protein forms V1970L, V2008L.
Identifiers: ClinVar variation 3373543 (VCV003373543.1).